The following is an entry in ClinVar:

NM_001875.5(CPS1):c.3682del (p.Arg1228fs)

Gene: CPS1 (carbamoyl-phosphate synthase 1; plus strand). Cytogenetic location: 2q34.
Variant type: Deletion.
Coding change: c.3682del on transcript NM_001875.5 (MANE Select); coding-DNA position 3682, one base deleted (C; older notation c.3682delC).
Protein change: p.Arg1228fs; shifts the reading frame from arginine 1228.
Molecular consequence: frameshift variant. On other transcripts: non-coding transcript variant (2).
Genome position (GRCh38, 1-based): chr2:210,658,614, C deleted; the last of 3 consecutive C bases (chr2:210,658,612-210,658,614); deleting any one gives the same sequence. VCF-style (leftmost placement, unchanged base first): chr2-210658611-AC-A. GRCh37 (hg19) VCF-style: chr2-211523335-AC-A.
Other names: c.3682del, p.Arg1228fs (NM_001122633.3, NM_001369257.1); c.3715del, p.Arg1239fs (NM_001369256.1); short protein forms R1228fs, R1239fs.
Identifiers: ClinVar variation 1457814 (VCV001457814.7), dbSNP rs2105920599, ClinGen allele CA2573135219.

ClinVar aggregate classification (germline): Pathogenic/Likely pathogenic. Review status: criteria provided, multiple submitters, no conflicts (2 of 4 stars). 2 submissions from 2 submitters: Pathogenic (1); Likely pathogenic (1). Last evaluated 2023-10-14.

Conditions:
Congenital hyperammonemia, type I. Also called: Carbamoyl phosphate synthetase 1 deficiency; Hyperammonemia due to carbamoyl phosphate synthetase 1 deficiency; CPS 1 deficiency; Carbamyl phosphate synthetase (CPS) deficiency; Carbamoyl phosphate synthetase I deficiency disease; CPS I DEFICIENCY. Identifiers: Orphanet 147, MedGen C4082171, MONDO:0009376, OMIM 237300.
Pulmonary hypertension, neonatal, susceptibility to (PHN). Identifiers: MedGen C3714958, MONDO:0014151, OMIM 615371.

Submissions (2):

Baylor Genetics
Classification: Likely pathogenic for Pulmonary hypertension, neonatal, susceptibility to. Last evaluated: 2023-10-14. Review status: criteria provided, single submitter. Criteria: ACMG Guidelines, 2015. Collection method: clinical testing. Allele origin: unknown.

Labcorp Genetics (formerly Invitae), Labcorp
Classification: Pathogenic for Congenital hyperammonemia, type I. Last evaluated: 2020-11-21. Review status: criteria provided, single submitter. Criteria: Invitae Variant Classification Sherloc (09022015). Collection method: clinical testing. Allele origin: germline.
Comment: For these reasons, this variant has been classified as Pathogenic. This variant has not been reported in the literature in individuals with CPS1-related conditions. This sequence change creates a premature translational stop signal (p.Arg1228Glyfs*26) in the CPS1 gene. It is expected to result in an absent or disrupted protein product. Loss-of-function variants in CPS1 are known to be pathogenic (PMID: 21120950). This variant is not present in population databases (ExAC no frequency).

Literature cited by the submitters: PubMed 21120950 (cited by Labcorp Genetics (formerly Invitae), Labcorp).